The following is an entry in ClinVar:

ClinVar aggregate classification (germline): Uncertain significance (1 of 4 stars; one submission).

Submission:

Labcorp Genetics (formerly Invitae), Labcorp
Classification: Uncertain significance. Last evaluated: 2024-05-15. Review status: criteria provided, single submitter. Criteria: Invitae Variant Classification Sherloc (09022015). Collection method: clinical testing. Allele origin: germline.
Comment: This sequence change replaces valine, which is neutral and non-polar, with alanine, which is neutral and non-polar, at codon 263 of the LMX1B protein (p.Val263Ala). This variant is not present in population databases (gnomAD no frequency). This missense change has been observed in individual(s) with Nail-patella syndrome (PMID: 15498463). Advanced modeling of protein sequence and biophysical properties (such as structural, functional, and spatial information, amino acid conservation, physicochemical variation, residue mobility, and thermodynamic stability) performed at Invitae indicates that this missense variant is expected to disrupt LMX1B protein function with a positive predictive value of 80%. In summary, the available evidence is currently insufficient to determine the role of this variant in disease. Therefore, it has been classified as a Variant of Uncertain Significance.

Literature cited by the submitters: PubMed 15498463.

NM_001174147.2(LMX1B):c.788T>C (p.Val263Ala)

Gene: LMX1B (LIM homeobox transcription factor 1 beta; plus strand). Cytogenetic location: 9q33.3.
Variant type: single nucleotide variant.
Coding change: c.788T>C on transcript NM_001174147.2 (MANE Select); coding-DNA position 788, T replaced by C.
Protein change: p.Val263Ala; replaces valine 263 with alanine.
Molecular consequence: missense variant.
Genome position (GRCh38, 1-based): chr9:126,693,570, T>C. VCF-style: chr9-126693570-T-C. GRCh37 (hg19) VCF-style: chr9-129455849-T-C.
Other names: c.788T>C, p.Val263Ala (NM_001174146.2, NM_002316.4); short protein forms V263A.
Identifiers: ClinVar variation 2735338 (VCV002735338.3), dbSNP rs2490689185, ClinGen allele CA374913895.